The following is an entry in ClinVar:

NM_006662.3(SRCAP):c.3344G>A (p.Arg1115His)

Gene: SRCAP (Snf2 related CREBBP activator protein; plus strand). Cytogenetic location: 16p11.2.
Variant type: single nucleotide variant.
Coding change: c.3344G>A on transcript NM_006662.3 (MANE Select); coding-DNA position 3344, G replaced by A.
Protein change: p.Arg1115His; replaces arginine 1115 with histidine.
Molecular consequence: missense variant.
Genome position (GRCh38, 1-based): chr16:30,721,279, G>A. VCF-style: chr16-30721279-G-A. GRCh37 (hg19) VCF-style: chr16-30732600-G-A.
Other names: short protein forms R1115H.
Identifiers: ClinVar variation 2137802 (VCV002137802.4), dbSNP rs748378605, ClinGen allele CA8011473.

ClinVar aggregate classification (germline): Uncertain significance (1 of 4 stars; one submission).

Allele frequency attached by ClinVar (database versions not stated): TOPMed 0.00001.
gnomAD v4.1: 9 of 1,613,996 alleles (0.00056%); highest among the groups gnomAD compares: East Asian, 0.0067%; no homozygotes.

Submission:

Labcorp Genetics (formerly Invitae), Labcorp
Classification: Uncertain significance. Last evaluated: 2025-01-20. Review status: criteria provided, single submitter. Criteria: Invitae Variant Classification Sherloc (09022015). Collection method: clinical testing. Allele origin: germline.
Comment: This sequence change replaces arginine, which is basic and polar, with histidine, which is basic and polar, at codon 1115 of the SRCAP protein (p.Arg1115His). This variant is present in population databases (rs748378605, gnomAD 0.02%). This variant has not been reported in the literature in individuals affected with SRCAP-related conditions. ClinVar contains an entry for this variant (Variation ID: 2137802). Invitae Evidence Modeling of protein sequence and biophysical properties (such as structural, functional, and spatial information, amino acid conservation, physicochemical variation, residue mobility, and thermodynamic stability) indicates that this missense variant is not expected to disrupt SRCAP protein function with a negative predictive value of 80%. In summary, the available evidence is currently insufficient to determine the role of this variant in disease. Therefore, it has been classified as a Variant of Uncertain Significance.